The following is an entry in ClinVar:

NM_001605.3(AARS1):c.1294A>C (p.Lys432Gln)

Gene: AARS1 (alanyl-tRNA synthetase 1; minus strand). Cytogenetic location: 16q22.1.
Variant type: single nucleotide variant.
Coding change: c.1294A>C on transcript NM_001605.3 (MANE Select); coding-DNA position 1294, A replaced by C.
Protein change: p.Lys432Gln; replaces lysine 432 with glutamine.
Molecular consequence: missense variant.
Genome position (GRCh38, 1-based): chr16:70,265,591, T>G on the plus strand (A>C on the coding strand, the complement: AARS1 is on the minus strand). VCF-style: chr16-70265591-T-G. GRCh37 (hg19) VCF-style: chr16-70299494-T-G.
Other names: short protein forms K432Q.
Identifiers: ClinVar variation 2801953 (VCV002801953.4), dbSNP rs2507009582, ClinGen allele CA396562019.
Genomic context (GRCh38, chr16:70,265,591, plus strand): 5'-TCTTTACCTGGGCCAGTTTCCTCTCCTCTTCAAAGCCATCCATGTCTACCACCAGGCCCT[T>G]CTCTTCAGCAATCAGTCCAGTCAGATCCACTGGAAACCCATAGGTGTCATAGAGGAGCCA-3'
Protein context (NP_001596.2, residues 422-442): VDLTGLIAEE[Lys432Gln]GLVVDMDGFE

ClinVar aggregate classification (germline): Uncertain significance. Review status: criteria provided, multiple submitters, no conflicts (2 of 4 stars). 2 submissions from 2 submitters: Uncertain significance (2). Last evaluated 2023-04-27.

Conditions:
Charcot-Marie-Tooth disease type 2. Also called: Charcot-Marie-Tooth type 2. Identifiers: Orphanet 64746, MedGen C0270914, MONDO:0018993.

Allele frequency attached by ClinVar (database versions not stated): gnomAD exomes below 0.00001.
gnomAD v4.1: 2 of 1,613,970 alleles (0.00012%); highest among the groups gnomAD compares: Non-Finnish European, 0.000085%; no homozygotes.

Submissions (2):

Labcorp Genetics (formerly Invitae), Labcorp
Classification: Uncertain significance for Charcot-Marie-Tooth disease type 2. Last evaluated: 2023-04-27. Review status: criteria provided, single submitter. Criteria: Invitae Variant Classification Sherloc (09022015). Collection method: clinical testing. Allele origin: germline.
Comment: This sequence change replaces lysine, which is basic and polar, with glutamine, which is neutral and polar, at codon 432 of the AARS protein (p.Lys432Gln). This variant is not present in population databases (gnomAD no frequency). This variant has not been reported in the literature in individuals affected with AARS-related conditions. Advanced modeling of protein sequence and biophysical properties (such as structural, functional, and spatial information, amino acid conservation, physicochemical variation, residue mobility, and thermodynamic stability) performed at Invitae indicates that this missense variant is not expected to disrupt AARS protein function. In summary, the available evidence is currently insufficient to determine the role of this variant in disease. Therefore, it has been classified as a Variant of Uncertain Significance.

Blueprint Genetics
Classification: Uncertain significance. Last evaluated: 2022-02-28. Review status: criteria provided, single submitter. Criteria: ACMG Guidelines, 2015. Collection method: clinical testing. Allele origin: germline.